The following is an entry in ClinVar:

NM_001329943.3(KIAA0586):c.3037C>G (p.Leu1013Val)

Gene: KIAA0586 (KIAA0586; plus strand). Cytogenetic location: 14q23.1.
Variant type: single nucleotide variant.
Coding change: c.3037C>G on transcript NM_001329943.3 (MANE Select); coding-DNA position 3037, C replaced by G.
Protein change: p.Leu1013Val; replaces leucine 1013 with valine.
Molecular consequence: missense variant.
Genome position (GRCh38, 1-based): chr14:58,482,605, C>G. VCF-style: chr14-58482605-C-G. GRCh37 (hg19) VCF-style: chr14-58949323-C-G.
Other names: c.3196C>G, p.Leu1066Val (NM_001244189.2); c.2992C>G, p.Leu998Val (NM_001244190.2); c.2782C>G, p.Leu928Val (NM_001244191.2, NM_001329945.2, NM_001364700.1 and 1 more transcripts); c.2905C>G, p.Leu969Val (NM_001244192.2); c.2617C>G, p.Leu873Val (NM_001244193.2); c.3037C>G, p.Leu1013Val (NM_001329944.2, NM_001329946.2, NM_001329947.2); c.2809C>G, p.Leu937Val (NM_014749.5); short protein forms L873V, L998V, L928V, L969V, L1013V, L1066V, L937V.
Identifiers: ClinVar variation 2041104 (VCV002041104.4), dbSNP rs1230024474, ClinGen allele CA389879891.

ClinVar aggregate classification (germline): Uncertain significance (1 of 4 stars; one submission).

Conditions:
Short-rib thoracic dysplasia 14 with polydactyly (SRTD14). Identifiers: Orphanet 397715, MedGen C4225286, MONDO:0014688, OMIM 616546.
Joubert syndrome 23 (JBTS23). Identifiers: Orphanet 475, MedGen C4084822, MONDO:0014664, OMIM 616490.

Allele frequency attached by ClinVar (database versions not stated): TOPMed below 0.00001.

Submission:

Labcorp Genetics (formerly Invitae), Labcorp
Classification: Uncertain significance for Joubert syndrome 23; Short-rib thoracic dysplasia 14 with polydactyly. Last evaluated: 2022-11-15. Review status: criteria provided, single submitter. Criteria: Invitae Variant Classification Sherloc (09022015). Collection method: clinical testing. Allele origin: germline.
Comment: This sequence change replaces leucine, which is neutral and non-polar, with valine, which is neutral and non-polar, at codon 1066 of the KIAA0586 protein (p.Leu1066Val). This variant is not present in population databases (gnomAD no frequency). This variant has not been reported in the literature in individuals affected with KIAA0586-related conditions. Advanced modeling of protein sequence and biophysical properties (such as structural, functional, and spatial information, amino acid conservation, physicochemical variation, residue mobility, and thermodynamic stability) performed at Invitae indicates that this missense variant is expected to disrupt KIAA0586 protein function. In summary, the available evidence is currently insufficient to determine the role of this variant in disease. Therefore, it has been classified as a Variant of Uncertain Significance.